The following is an entry in ClinVar:

NM_001292063.2(OTOG):c.3819G>A (p.Ala1273=)

Gene: OTOG (otogelin; plus strand). Cytogenetic location: 11p15.1.
Variant type: single nucleotide variant.
Coding change: c.3819G>A on transcript NM_001292063.2 (MANE Select); coding-DNA position 3819, G replaced by A.
Protein change: p.Ala1273=; no amino-acid change (alanine 1273 retained).
Molecular consequence: synonymous variant.
Genome position (GRCh38, 1-based): chr11:17,602,319, G>A. VCF-style: chr11-17602319-G-A. GRCh37 (hg19) VCF-style: chr11-17623866-G-A.
Other names: c.3855G>A, p.Ala1285= (NM_001277269.2).
Identifiers: ClinVar variation 517390 (VCV000517390.5), dbSNP rs750862882, ClinGen allele CA5905780.

ClinVar aggregate classification (germline): Likely benign (1 of 4 stars; one submission).

Allele frequency attached by ClinVar (database versions not stated): TOPMed 0.00003; gnomAD 0.00005 and 0.00006; ExAC 0.00013; gnomAD exomes 0.00015.
gnomAD v4.1: 60 of 1,550,440 alleles (0.0039%); highest among the groups gnomAD compares: South Asian, 0.0024%; no homozygotes.

Submission:

Laboratory for Molecular Medicine, Mass General Brigham Personalized Medicine
Classification: Likely benign. Last evaluated: 2017-05-09. Review status: criteria provided, single submitter. Criteria: LMM Criteria. Collection method: clinical testing. Allele origin: germline. Observed: 1 variant allele.
Comment: p.Ala1285Ala in exon 31 of OTOG: This variant is not expected to have clinical significance because it does not alter an amino acid residue, and it is not loca ted within the splice consensus sequence. It has been identified in 0.1% (20/19 472) of Finnish chromosomes by the Genome Aggregation Database (gnomAD; dbSNP rs750862882).